The following is an entry in ClinVar:

NM_199355.4(ADAMTS18):c.340C>A (p.Pro114Thr)

Gene: ADAMTS18 (ADAM metallopeptidase with thrombospondin type 1 motif 18; minus strand). Cytogenetic location: 16q23.1.
Variant type: single nucleotide variant.
Coding change: c.340C>A on transcript NM_199355.4 (MANE Select); coding-DNA position 340, C replaced by A.
Protein change: p.Pro114Thr; replaces proline 114 with threonine.
Molecular consequence: missense variant. On other transcripts: 5 prime UTR variant (1).
Genome position (GRCh38, 1-based): chr16:77,431,450, G>T on the plus strand (C>A on the coding strand, the complement: ADAMTS18 is on the minus strand). VCF-style: chr16-77431450-G-T. GRCh37 (hg19) VCF-style: chr16-77465347-G-T.
Other names: c.-181C>A (NM_001326358.2); c.340C>A (NM_199355.3); short protein forms P114T.
Identifiers: ClinVar variation 1152851 (VCV001152851.10), dbSNP rs150212335, ClinGen allele CA8181706.

ClinVar aggregate classification (germline): Likely benign. Review status: criteria provided, multiple submitters, no conflicts (2 of 4 stars). 3 submissions from 3 submitters: Likely benign (2). 1 of the submissions does not count toward it. Last evaluated 2025-11-27.

Conditions:
ADAMTS18-related disorder. Also called: ADAMTS18-related condition.

Allele frequency attached by ClinVar (database versions not stated): gnomAD exomes 0.00008 and 0.00018; ExAC 0.00023; 1000 Genomes Project 30x 0.00047; 1000 Genomes Project 0.00060; gnomAD 0.00080 and 0.00086; ESP Exome Variant Server 0.00092; TOPMed 0.00092.
gnomAD v4.1: 242 of 1,614,186 alleles (0.015%); highest among the groups gnomAD compares: African/African-American, 0.3%; no homozygotes.

Submissions (3):

Labcorp Genetics (formerly Invitae), Labcorp
Classification: Likely benign. Last evaluated: 2025-11-27. Review status: criteria provided, single submitter. Criteria: Invitae Variant Classification Sherloc (09022015). Collection method: clinical testing. Allele origin: germline.

Blueprint Genetics
Classification: Likely benign. Last evaluated: 2024-11-21. Review status: criteria provided, single submitter. Criteria: ACMG Guidelines, 2015. Collection method: clinical testing. Allele origin: germline.

PreventionGenetics, part of Exact Sciences
Classification: Likely benign for ADAMTS18-related condition. Last evaluated: 2023-05-25. Review status: no assertion criteria provided. Collection method: clinical testing. Allele origin: germline. Not counted in ClinVar's aggregate classification.
Comment: This variant is classified as likely benign based on ACMG/AMP sequence variant interpretation guidelines (Richards et al. 2015 PMID: 25741868, with internal and published modifications).